The following is an entry in ClinVar:

NM_005502.4(ABCA1):c.248G>A (p.Arg83His)

Gene: ABCA1 (ATP binding cassette subfamily A member 1; minus strand). Cytogenetic location: 9q31.1.
Variant type: single nucleotide variant.
Coding change: c.248G>A on transcript NM_005502.4 (MANE Select); coding-DNA position 248, G replaced by A.
Protein change: p.Arg83His; replaces arginine 83 with histidine.
Molecular consequence: missense variant.
Genome position (GRCh38, 1-based): chr9:104,884,481, C>T on the plus strand (G>A on the coding strand, the complement: ABCA1 is on the minus strand). VCF-style: chr9-104884481-C-T. GRCh37 (hg19) VCF-style: chr9-107646762-C-T.
Other names: short protein forms R83H.
Identifiers: ClinVar variation 3373617 (VCV003373617.2).

ClinVar aggregate classification (germline): Conflicting classifications of pathogenicity. Review status: criteria provided, conflicting classifications (1 of 4 stars). 2 submissions from 2 submitters: Uncertain significance (1); Likely benign (1). Last evaluated 2025-07-08.

gnomAD v4.1: 73 of 1,614,080 alleles (0.0045%); highest among the groups gnomAD compares: Non-Finnish European, 0.0055%; no homozygotes.

Submissions (2):

Labcorp Genetics (formerly Invitae), Labcorp
Classification: Likely benign. Last evaluated: 2025-07-08. Review status: criteria provided, single submitter. Criteria: Invitae Variant Classification Sherloc (09022015). Collection method: clinical testing. Allele origin: germline.

GeneDx
Classification: Uncertain significance. Last evaluated: 2024-03-05. Review status: criteria provided, single submitter. Criteria: GeneDx Variant Classification Process June 2021. Collection method: clinical testing. Allele origin: germline. Affected: yes.
Comment: Not observed at significant frequency in large population cohorts (gnomAD); In silico analysis supports that this missense variant does not alter protein structure/function; Has not been previously published as pathogenic or benign to our knowledge